The following is an entry in ClinVar:

NM_000124.4(ERCC6):c.1357C>T (p.Arg453Ter)

Genes: ERCC6 (ERCC excision repair 6, chromatin remodeling factor; minus strand), PGBD3 (piggyBac transposable element derived 3; minus strand). Cytogenetic location: 10q11.23.
Variant type: single nucleotide variant.
Coding change: c.1357C>T on transcript NM_000124.4 (MANE Select); coding-DNA position 1357, C replaced by T.
Protein change: p.Arg453Ter; replaces arginine 453 with a stop codon.
Molecular consequence: nonsense. On other transcripts: 5 prime UTR variant (1).
Genome position (GRCh38, 1-based): chr10:49,524,073, G>A on the plus strand (C>T on the coding strand, the complement: ERCC6 is on the minus strand). VCF-style: chr10-49524073-G-A. GRCh37 (hg19) VCF-style: chr10-50732119-G-A.
Other names: c.1357C>T, p.Arg453Ter (NM_001277058.2, NM_001277059.2, NM_001346440.2); c.-48C>T (NM_170753.3); short protein forms R453*.
Identifiers: ClinVar variation 1703 (VCV000001703.14), dbSNP rs121917902, ClinGen allele CA251920.
Genomic context (GRCh38, chr10:49,524,073, plus strand): 5'-TATAATCCCCACAGACCGACCTTAACCGCTGCTTATAATAATCTTCATCTCCATCATCTC[G>A]GTATCTTCCCACTTTCCGACCTCCTCCTCCTCCTTCTCCTACAGAAGCAGCTTCAGCTTC-3'

ClinVar aggregate classification (germline): Pathogenic. Review status: criteria provided, multiple submitters, no conflicts (2 of 4 stars). 7 submissions from 6 submitters: Pathogenic (5). 2 of the submissions do not count toward it. Last evaluated 2026-01-18.

Conditions:
Cerebrooculofacioskeletal syndrome 1 (COFS1). Also called: Cerebro-oculo-facio-skeletal syndrome 1. Identifiers: MedGen C0220722, MONDO:0008955, OMIM 214150.
DE SANCTIS-CACCHIONE SYNDROME. Identifiers: MedGen C0265201, MONDO:0010217, OMIM 278800.
Cockayne syndrome type 2 (CSB). Also called: COCKAYNE SYNDROME B; Cockayne Syndrome, Type II. Identifiers: Orphanet 191, Orphanet 90322, MedGen C0751038, MONDO:0019570, OMIM 133540.
Premature ovarian failure 11 (POF11). Identifiers: MedGen C4310783, MONDO:0014843, OMIM 616946.
Age related macular degeneration 5. Identifiers: MedGen C3151063, MONDO:0013409, OMIM 613761.
UV-sensitive syndrome 1 (UVSS1). Identifiers: Orphanet 178338, MedGen C3551173, MONDO:0010909, OMIM 600630.
Lung cancer. Also called: Lung cancer, somatic; Malignant tumor of lung. Identifiers: MedGen C0242379, MONDO:0008903, OMIM 211980.
Lung carcinoma. Identifiers: MedGen C0684249, MONDO:0005138.

gnomAD v4.1: 11 of 1,613,494 alleles (0.00068%); highest among the groups gnomAD compares: Non-Finnish European, 0.00093%; no homozygotes.

Submissions (7):

Labcorp Genetics (formerly Invitae), Labcorp
Classification: Pathogenic. Last evaluated: 2026-01-18. Review status: criteria provided, single submitter. Criteria: Invitae Variant Classification Sherloc (09022015). Collection method: clinical testing. Allele origin: germline.
Comment: This sequence change creates a premature translational stop signal (p.Arg453*) in the ERCC6 gene. It is expected to result in an absent or disrupted protein product. Loss-of-function variants in ERCC6 are known to be pathogenic (PMID: 18628313, 29572252). This variant is not present in population databases (gnomAD no frequency). This premature translational stop signal has been observed in individuals with Cockayne syndrome (PMID: 9443879, 29572252). ClinVar contains an entry for this variant (Variation ID: 1703). Algorithms developed to predict the effect of sequence changes on RNA splicing suggest that this variant may disrupt the consensus splice site. For these reasons, this variant has been classified as Pathogenic.

Fulgent Genetics
Classification: Pathogenic for Cockayne syndrome type 2; Lung cancer; Cerebrooculofacioskeletal syndrome 1; DE SANCTIS-CACCHIONE SYNDROME; UV-sensitive syndrome 1; Age related macular degeneration 5; Premature ovarian failure 11. Last evaluated: 2024-02-13. Review status: criteria provided, single submitter. Criteria: ACMG Guidelines, 2015. Collection method: clinical testing. Allele origin: germline.

Fulgent Genetics
Classification: Pathogenic for Cockayne syndrome type 2; Lung cancer; Cerebrooculofacioskeletal syndrome 1; DE SANCTIS-CACCHIONE SYNDROME; UV-sensitive syndrome 1; Age related macular degeneration 5; Premature ovarian failure 11. Last evaluated: 2018-10-31. Review status: criteria provided, single submitter. Criteria: ACMG Guidelines, 2015. Collection method: clinical testing. Allele origin: unknown.

Claritas Genomics
Classification: Pathogenic for Cockayne syndrome, type B. Last evaluated: 2013-07-29. Review status: criteria provided, single submitter. Criteria: ACMG Guidelines, 2007. Collection method: clinical testing. Allele origin: germline. Inheritance: Autosomal recessive inheritance.

Department of Medical Genetics, Sanjay Gandhi Post Graduate Institute of Medical Sciences
Classification: Pathogenic for Cockayne syndrome type 2. Review status: criteria provided, single submitter. Criteria: ACMG Guidelines, 2015. Collection method: research. Allele origin: germline. Inheritance: Autosomal recessive inheritance. Affected: yes. Observed: 1 compound heterozygote.

Counsyl
Classification: Pathogenic for Cockayne syndrome type 2; Cerebrooculofacioskeletal syndrome 1; DE SANCTIS-CACCHIONE SYNDROME. Last evaluated: 2017-10-12. Review status: no assertion criteria provided. Collection method: clinical testing. Allele origin: unknown. Not counted in ClinVar's aggregate classification.

OMIM
Classification: Pathogenic for COCKAYNE SYNDROME B. Last evaluated: 1999-05-01. Review status: no assertion criteria provided. Collection method: literature only. Allele origin: germline. Not counted in ClinVar's aggregate classification.

Literature cited by the submitters: PubMed 18628313 (cited by Labcorp Genetics (formerly Invitae), Labcorp); PubMed 29572252 (cited by Labcorp Genetics (formerly Invitae), Labcorp); PubMed 9443879 (cited by Labcorp Genetics (formerly Invitae), Labcorp); PubMed 21143350 (cited by Counsyl); PubMed 19894250 (cited by Counsyl); PubMed 18784753 (cited by Counsyl); PubMed 10196384 (cited by OMIM).